The following is an entry in ClinVar:

ClinVar aggregate classification (germline): Uncertain significance (1 of 4 stars; one submission).

Conditions:
Maple syrup urine disease (MSUD). Identifiers: Orphanet 511, MedGen C0024776, MeSH D008375, MONDO:0009563. Disease mechanism: loss of function.

gnomAD v4.1: 1 of 1,607,760 alleles (0.000062%); highest among the groups gnomAD compares: Admixed American, 0.0017%; no homozygotes.

Submission:

Labcorp Genetics (formerly Invitae), Labcorp
Classification: Uncertain significance for Maple syrup urine disease. Last evaluated: 2025-09-26. Review status: criteria provided, single submitter. Criteria: Invitae Variant Classification Sherloc (09022015). Collection method: clinical testing. Allele origin: germline.
Comment: This sequence change replaces glycine, which is neutral and non-polar, with arginine, which is basic and polar, at codon 405 of the DBT protein (p.Gly405Arg). This variant is present in population databases (no rsID available, gnomAD 0.003%). This variant has not been reported in the literature in individuals affected with DBT-related conditions. Invitae Evidence Modeling of protein sequence and biophysical properties (such as structural, functional, and spatial information, amino acid conservation, physicochemical variation, residue mobility, and thermodynamic stability) indicates that this missense variant is expected to disrupt DBT protein function with a positive predictive value of 95%. In summary, the available evidence is currently insufficient to determine the role of this variant in disease. Therefore, it has been classified as a Variant of Uncertain Significance.

NM_001918.5(DBT):c.1213G>C (p.Gly405Arg)

Gene: DBT (dihydrolipoamide branched chain transacylase E2; minus strand). Cytogenetic location: 1p21.2.
Variant type: single nucleotide variant.
Coding change: c.1213G>C on transcript NM_001918.5 (MANE Select); coding-DNA position 1213, G replaced by C.
Protein change: p.Gly405Arg; replaces glycine 405 with arginine.
Molecular consequence: missense variant. On other transcripts: non-coding transcript variant (4).
Genome position (GRCh38, 1-based): chr1:100,206,298, C>G on the plus strand (G>C on the coding strand, the complement: DBT is on the minus strand). VCF-style: chr1-100206298-C-G. GRCh37 (hg19) VCF-style: chr1-100671854-C-G.
Other names: c.670G>C, p.Gly224Arg (NM_001399969.1, NM_001399972.1); short protein forms G224R, G405R.
Identifiers: ClinVar variation 4799907 (VCV004799907.1).